The following is an entry in ClinVar:

ClinVar aggregate classification (germline): Likely benign. Review status: criteria provided, multiple submitters, no conflicts (2 of 4 stars). 3 submissions from 3 submitters: Likely benign (3). Last evaluated 2026-07-01.

Conditions:
RYR1-related disorder. Also called: RYR1-related disorders; RYR1-related condition. Identifiers: MedGen CN239331.
Malignant hyperthermia, susceptibility to, 1 (MHS1). Also called: Malignant hyperthermia suceptibility 1; Anesthesia related hyperthermia; Malignant hyperpyrexia; Fulminating hyperpyrexia; Pharmacogenic myopathy; RYR1-Related Malignant Hyperthermia Susceptibility. Identifiers: Orphanet 423, MedGen C2930980, MONDO:0007783, OMIM 145600.

Allele frequency attached by ClinVar (database versions not stated): ExAC 0.00001; gnomAD exomes 0.00001 and 0.00002; gnomAD 0.00002; TOPMed 0.00002.
gnomAD v4.1: 24 of 1,613,484 alleles (0.0015%); highest among the groups gnomAD compares: South Asian, 0.011%; 2 homozygotes.

Submissions (3):

CeGaT Center for Human Genetics Tuebingen
Classification: Likely benign. Last evaluated: 2026-07-01. Review status: criteria provided, single submitter. Criteria: CeGaT Center For Human Genetics Tuebingen Variant Classification Criteria Version 2. Collection method: clinical testing. Allele origin: germline. Affected: yes. Observed: 2 variant alleles.
Comment: RYR1: BP4, BP7

Labcorp Genetics (formerly Invitae), Labcorp
Classification: Likely benign for RYR1-related disorder. Last evaluated: 2025-12-17. Review status: criteria provided, single submitter. Criteria: Invitae Variant Classification Sherloc (09022015). Collection method: clinical testing. Allele origin: germline.

All of Us Research Program, National Institutes of Health
Classification: Likely benign for Malignant hyperthermia, susceptibility to, 1. Last evaluated: 2023-12-13. Review status: criteria provided, single submitter. Criteria: ACMG Guidelines, 2015. Collection method: clinical testing. Allele origin: germline. Inheritance: Autosomal dominant inheritance. Observed: 4 variant alleles, 4 heterozygotes.
Comment: This study involves interpretation of variants in research participants for the purpose of population health screening. Participant phenotype was not available at the time of variant classification. Additional details can be found in publication PMID: 35346344, PMCID: PMC8962531

NM_000540.3(RYR1):c.636C>T (p.Phe212=)

Gene: RYR1 (ryanodine receptor 1; plus strand). Cytogenetic location: 19q13.2.
Variant type: single nucleotide variant.
Coding change: c.636C>T on transcript NM_000540.3 (MANE Select); coding-DNA position 636, C replaced by T.
Protein change: p.Phe212=; no amino-acid change (phenylalanine 212 retained).
Molecular consequence: synonymous variant.
Genome position (GRCh38, 1-based): chr19:38,446,476, C>T. VCF-style: chr19-38446476-C-T. GRCh37 (hg19) VCF-style: chr19-38937116-C-T.
Other names: c.636C>T, p.Phe212= (NM_001042723.2).
Identifiers: ClinVar variation 1634670 (VCV001634670.11), dbSNP rs781279190, ClinGen allele CA068162.
Genomic context (GRCh38, chr19:38,446,476, plus strand): 5'-CTGGTCTTCCTGGGGCTCCAGCCTCCCATTGACCAACTTCCCTTGCTCCTCTCCAGGCTT[C>T]GTGACGGGAGGTCACGTCCTCCGCCTCTTTCATGGACATATGGATGAGTGTCTGACCATT-3'
Protein context (NP_000531.2, residues 202-222): NPICSRCEEG[Phe212=]VTGGHVLRLF